The following is an entry in ClinVar:

ClinVar aggregate classification (germline): Uncertain significance (1 of 4 stars; one submission).

Conditions:
Marfan syndrome (MFS). Also called: FBN1-Related Marfan Syndrome; MARFAN SYNDROME, TYPE I; Marfan syndrome type 1; Marfan's syndrome; Marfan syndrome, classic. Identifiers: Orphanet 284963, Orphanet 558, MedGen C0024796, MONDO:0007947, OMIM 154700.
Familial thoracic aortic aneurysm and aortic dissection (TAAD). Also called: Thoracic aortic aneurysms and dissections. Identifiers: Orphanet 91387, MedGen C4707243, MONDO:0019625.

Submission:

Labcorp Genetics (formerly Invitae), Labcorp
Classification: Uncertain significance for Marfan syndrome; Familial thoracic aortic aneurysm and aortic dissection. Last evaluated: 2025-03-19. Review status: criteria provided, single submitter. Criteria: Invitae Variant Classification Sherloc (09022015). Collection method: clinical testing. Allele origin: germline.
Comment: This sequence change replaces serine, which is neutral and polar, with threonine, which is neutral and polar, at codon 1936 of the FBN1 protein (p.Ser1936Thr). This variant is not present in population databases (gnomAD no frequency). This variant has not been reported in the literature in individuals affected with FBN1-related conditions. Invitae Evidence Modeling of protein sequence and biophysical properties (such as structural, functional, and spatial information, amino acid conservation, physicochemical variation, residue mobility, and thermodynamic stability) indicates that this missense variant is not expected to disrupt FBN1 protein function with a negative predictive value of 95%. In summary, the available evidence is currently insufficient to determine the role of this variant in disease. Therefore, it has been classified as a Variant of Uncertain Significance.

NM_000138.5(FBN1):c.5807G>C (p.Ser1936Thr)

Gene: FBN1 (fibrillin 1; minus strand). Cytogenetic location: 15q21.1.
Variant type: single nucleotide variant.
Coding change: c.5807G>C on transcript NM_000138.5 (MANE Select); coding-DNA position 5807, G replaced by C.
Protein change: p.Ser1936Thr; replaces serine 1936 with threonine.
Molecular consequence: missense variant.
Genome position (GRCh38, 1-based): chr15:48,445,486, C>G on the plus strand (G>C on the coding strand, the complement: FBN1 is on the minus strand). VCF-style: chr15-48445486-C-G. GRCh37 (hg19) VCF-style: chr15-48737683-C-G.
Other names: c.5807G>C, p.Ser1936Thr (NM_001406716.1); short protein forms S1936T.
Identifiers: ClinVar variation 4789243 (VCV004789243.1).